The following is an entry in ClinVar:

ClinVar aggregate classification (germline): Uncertain significance (1 of 4 stars; one submission).

Submission:

GeneDx
Classification: Uncertain significance. Last evaluated: 2024-05-14. Review status: criteria provided, single submitter. Criteria: GeneDx Variant Classification Process June 2021. Collection method: clinical testing. Allele origin: germline. Affected: yes.
Comment: Not observed at significant frequency in large population cohorts (gnomAD); In silico analysis supports that this missense variant has a deleterious effect on protein structure/function; Has not been previously published as pathogenic or benign to our knowledge

NM_001999.4(FBN2):c.4105G>T (p.Asp1369Tyr)

Gene: FBN2 (fibrillin 2; minus strand). Cytogenetic location: 5q23.3.
Variant type: single nucleotide variant.
Coding change: c.4105G>T on transcript NM_001999.4 (MANE Select); coding-DNA position 4105, G replaced by T.
Protein change: p.Asp1369Tyr; replaces aspartic acid 1369 with tyrosine.
Molecular consequence: missense variant.
Genome position (GRCh38, 1-based): chr5:128,333,029, C>A on the plus strand (G>T on the coding strand, the complement: FBN2 is on the minus strand). VCF-style: chr5-128333029-C-A. GRCh37 (hg19) VCF-style: chr5-127668721-C-A.
Other names: short protein forms D1369Y.
Identifiers: ClinVar variation 3383539 (VCV003383539.1).